The following is an entry in ClinVar:

ClinVar aggregate classification (germline): Uncertain significance (1 of 4 stars; one submission).

Submission:

Labcorp Genetics (formerly Invitae), Labcorp
Classification: Uncertain significance. Last evaluated: 2023-03-02. Review status: criteria provided, single submitter. Criteria: Invitae Variant Classification Sherloc (09022015). Collection method: clinical testing. Allele origin: germline.
Comment: Variants that disrupt the consensus splice site are a relatively common cause of aberrant splicing (PMID: 17576681, 9536098). Algorithms developed to predict the effect of sequence changes on RNA splicing suggest that this variant may disrupt the consensus splice site. In summary, the available evidence is currently insufficient to determine the role of this variant in disease. Therefore, it has been classified as a Variant of Uncertain Significance. This variant has not been reported in the literature in individuals affected with RORB-related conditions. This variant is not present in population databases (gnomAD no frequency). This sequence change falls in intron 9 of the RORB gene. It does not directly change the encoded amino acid sequence of the RORB protein. It affects a nucleotide within the consensus splice site.

Literature cited by the submitters: PubMed 17576681; PubMed 9536098.

NM_006914.4(RORB):c.1224+3A>T

Gene: RORB (RAR related orphan receptor B; plus strand). Cytogenetic location: 9q21.13.
Variant type: single nucleotide variant.
Coding change: c.1224+3A>T on transcript NM_006914.4 (MANE Select); 3 bases into the intron after coding-DNA position 1224, A replaced by T.
Molecular consequence: intron variant.
Genome position (GRCh38, 1-based): chr9:74,671,904, A>T. VCF-style: chr9-74671904-A-T. GRCh37 (hg19) VCF-style: chr9-77286820-A-T.
Other names: c.1257+3A>T (NM_001365023.1).
Identifiers: ClinVar variation 2842241 (VCV002842241.3), dbSNP rs2489648851, ClinGen allele CA2739269261.
Genomic context (GRCh38, chr9:74,671,904, plus strand): 5'-TTTTGCACTTCAACATGTGATTCAGAAGAATCACCTGGATGATGAGACCTTGGCAAAGGT[A>T]GGTCCACAGATCACAGAGCCACCACCACCAAAAGAGAGCACAGTGAGCAAAAAGGACTGC-3'